The following is an entry in ClinVar:

ClinVar aggregate classification (germline): Conflicting classifications of pathogenicity. Review status: criteria provided, conflicting classifications (1 of 4 stars). 4 submissions from 4 submitters: Uncertain significance (2); Likely benign (1). 1 of the submissions does not count toward it. Last evaluated 2025-10-19.

Conditions:
BICC1-related disorder. Also called: BICC1-related condition.

Allele frequency attached by ClinVar (database versions not stated): ESP Exome Variant Server 0.00023; ExAC 0.00043; gnomAD exomes 0.00051 and 0.00061; 1000 Genomes Project 0.00060; gnomAD 0.00061 and 0.00063; TOPMed 0.00074; 1000 Genomes Project 30x 0.00094.
gnomAD v4.1: 968 of 1,614,162 alleles (0.06%); highest among the groups gnomAD compares: Admixed American, 0.15%; 1 homozygote.

Submissions (4):

Labcorp Genetics (formerly Invitae), Labcorp
Classification: Uncertain significance. Last evaluated: 2025-10-19. Review status: criteria provided, single submitter. Criteria: Invitae Variant Classification Sherloc (09022015). Collection method: clinical testing. Allele origin: germline.
Comment: This sequence change replaces asparagine, which is neutral and polar, with serine, which is neutral and polar, at codon 325 of the BICC1 protein (p.Asn325Ser). This variant is present in population databases (rs144147641, gnomAD 0.1%), and has an allele count higher than expected for a pathogenic variant. This variant has not been reported in the literature in individuals affected with BICC1-related conditions. ClinVar contains an entry for this variant (Variation ID: 1312347). An algorithm developed to predict the effect of missense changes on protein structure and function outputs the following: PolyPhen-2: "Benign". The serine amino acid residue is found in multiple mammalian species, which suggests that this missense change does not adversely affect protein function. In summary, the available evidence is currently insufficient to determine the role of this variant in disease. Therefore, it has been classified as a Variant of Uncertain Significance.

GeneDx
Classification: Uncertain significance. Last evaluated: 2024-07-30. Review status: criteria provided, single submitter. Criteria: GeneDx Variant Classification Process June 2021. Collection method: clinical testing. Allele origin: germline. Affected: yes.
Comment: In silico analysis indicates that this missense variant does not alter protein structure/function; Has not been previously published as pathogenic or benign to our knowledge; Variants in candidate genes are classified as variants of uncertain significance in accordance with ACMG guidelines (PMID: 25741868)

Ambry Genetics
Classification: Likely benign. Last evaluated: 2024-06-16. Review status: criteria provided, single submitter. Criteria: Ambry Variant Classification Scheme 2023. Collection method: clinical testing. Allele origin: germline.

PreventionGenetics, part of Exact Sciences
Classification: Likely benign for BICC1-related condition. Last evaluated: 2023-01-11. Review status: no assertion criteria provided. Collection method: clinical testing. Allele origin: germline. Not counted in ClinVar's aggregate classification.
Comment: This variant is classified as likely benign based on ACMG/AMP sequence variant interpretation guidelines (Richards et al. 2015 PMID: 25741868, with internal and published modifications).

NM_001080512.3(BICC1):c.974A>G (p.Asn325Ser)

Gene: BICC1 (BicC family RNA binding protein 1; plus strand). Cytogenetic location: 10q21.1.
Variant type: single nucleotide variant.
Coding change: c.974A>G on transcript NM_001080512.3 (MANE Select); coding-DNA position 974, A replaced by G.
Protein change: p.Asn325Ser; replaces asparagine 325 with serine.
Molecular consequence: missense variant.
Genome position (GRCh38, 1-based): chr10:58,789,860, A>G. VCF-style: chr10-58789860-A-G. GRCh37 (hg19) VCF-style: chr10-60549620-A-G.
Other names: c.974A>G (NM_001080512.1); short protein forms N325S.
Identifiers: ClinVar variation 1312347 (VCV001312347.11), dbSNP rs144147641, ClinGen allele CA5508362.